The following is an entry in ClinVar:

ClinVar aggregate classification (germline): Benign/Likely benign. Review status: criteria provided, multiple submitters, no conflicts (2 of 4 stars). 5 submissions from 5 submitters: Benign (1); Likely benign (3). 1 of the submissions does not count toward it. Last evaluated 2026-01-24.

Conditions:
Hereditary cancer-predisposing syndrome. Also called: Neoplastic Syndromes, Hereditary; Hereditary Cancer Syndrome; Tumor predisposition; Hereditary neoplastic syndrome. Identifiers: Orphanet 140162, MedGen C0027672, MeSH D009386, MONDO:0015356.
Ataxia-telangiectasia syndrome (AT). Also called: Ataxia-telangiectasia, complementation group D; AT, COMPLEMENTATION GROUP C; Ataxia-telangiectasia; ATAXIA-TELANGIECTASIA, COMPLEMENTATION GROUP A; ATAXIA-TELANGIECTASIA, FRESNO VARIANT; Ataxia-telangiectasia, complementation group E. Identifiers: Orphanet 100, MedGen C0004135, MONDO:0008840, OMIM 208900.

Allele frequency attached by ClinVar (database versions not stated): gnomAD 0.00003 and 0.00002; gnomAD exomes 0.00003; ExAC 0.00002; TOPMed 0.00003; 1000 Genomes Project 0.00020; 1000 Genomes Project 30x 0.00016.
gnomAD v4.1: 47 of 1,612,302 alleles (0.0029%); highest among the groups gnomAD compares: Middle Eastern, 0.017%; no homozygotes.

Submissions (5):

Labcorp Genetics (formerly Invitae), Labcorp
Classification: Likely benign for Ataxia-telangiectasia syndrome. Last evaluated: 2026-01-24. Review status: criteria provided, single submitter. Criteria: Invitae Variant Classification Sherloc (09022015). Collection method: clinical testing. Allele origin: germline.

Blueprint Genetics
Classification: Likely benign. Last evaluated: 2022-07-17. Review status: criteria provided, single submitter. Criteria: ACMG Guidelines, 2015. Collection method: clinical testing. Allele origin: germline.

Color Diagnostics, LLC DBA Color Health
Classification: Likely benign for Hereditary cancer-predisposing syndrome. Last evaluated: 2017-02-13. Review status: criteria provided, single submitter. Criteria: ACMG Guidelines, 2015. Collection method: clinical testing. Allele origin: germline.

GeneDx
Classification: Benign. Last evaluated: 2013-10-16. Review status: criteria provided, single submitter. Criteria: GeneDx Variant Classification (06012015). Collection method: clinical testing. Allele origin: germline. Affected: yes.
Comment: This variant is considered likely benign or benign based on one or more of the following criteria: it is a conservative change, it occurs at a poorly conserved position in the protein, it is predicted to be benign by multiple in silico algorithms, and/or has population frequency not consistent with disease.

Counsyl
Classification: Likely benign for Ataxia-telangiectasia syndrome. Last evaluated: 2017-09-12. Review status: no assertion criteria provided. Collection method: clinical testing. Allele origin: unknown. Not counted in ClinVar's aggregate classification.

NM_000051.4(ATM):c.7515+20A>G

Genes: ATM (ATM serine/threonine kinase; plus strand), C11orf65 (chromosome 11 open reading frame 65; minus strand). Cytogenetic location: 11q22.3.
Variant type: single nucleotide variant.
Coding change: c.7515+20A>G on transcript NM_000051.4 (MANE Select); 20 bases into the intron after coding-DNA position 7515, A replaced by G.
Molecular consequence: intron variant.
Genome position (GRCh38, 1-based): chr11:108,330,441, A>G. VCF-style: chr11-108330441-A-G. GRCh37 (hg19) VCF-style: chr11-108201168-A-G.
Other names: c.7515+20A>G (NM_001351834.2); c.641-21370T>C (NM_001330368.2); c.*38+4779T>C (NM_001351110.2).
Identifiers: ClinVar variation 136430 (VCV000136430.13), dbSNP rs80124497, ClinGen allele CA289522.